The following is an entry in ClinVar:

ClinVar aggregate classification (germline): Uncertain significance. Review status: criteria provided, multiple submitters, no conflicts (2 of 4 stars). 3 submissions from 3 submitters: Uncertain significance (3). Last evaluated 2023-08-14.

Conditions:
Cardiovascular phenotype. Identifiers: MedGen CN230736.

Submissions (3):

Blueprint Genetics
Classification: Uncertain significance. Last evaluated: 2023-08-14. Review status: criteria provided, single submitter. Criteria: ACMG Guidelines, 2015. Collection method: clinical testing. Allele origin: germline.

Ambry Genetics
Classification: Uncertain significance for Cardiovascular phenotype. Last evaluated: 2022-05-30. Review status: criteria provided, single submitter. Criteria: Ambry Variant Classification Scheme 2023. Collection method: clinical testing. Allele origin: germline.
Comment: The p.E29Q variant (also known as c.85G>C), located in coding exon 2 of the SCN1B gene, results from a G to C substitution at nucleotide position 85. The glutamic acid at codon 29 is replaced by glutamine, an amino acid with highly similar properties. This amino acid position is conserved. In addition, the in silico prediction for this alteration is inconclusive. Since supporting evidence is limited at this time, the clinical significance of this alteration remains unclear.

GeneDx
Classification: Uncertain significance. Last evaluated: 2013-03-01. Review status: criteria provided, single submitter. Criteria: GeneDx Variant Classification (06012015). Collection method: clinical testing. Allele origin: germline. Affected: yes.
Comment: p.Glu29Gln (GAG>CAG): c.85 G>C in the SCN1B gene. The Gly29Gln missense change has not been published as a mutation, nor has it been reported as a benign polymorphism to our knowledge. The NHLBI ESP Exome Variant Project has not identified Gly29Gln in approximately 6,500 individuals of European or African American ethnicity, indicating that it is not a common benign variant in these populations. The amino acid substitution is non-conservative, as a negatively charged Glutamic acid residue is replaced by an uncharged Glutamine residue. It alters a highly conserved position in the protein, and other missense mutations have been reported in this region in association with epilepsy. Several in silico algorithms predict it may be damaging to protein structure/function while another model suggests it may be benign. Therefore, based on the currently available information, it is unclear whether Gly29Gln is a disease-causing mutation or a rare benign variant. The variant is found in EPILEPSY panel(s).

NM_001037.5(SCN1B):c.85G>C (p.Glu29Gln)

Gene: SCN1B (sodium voltage-gated channel beta subunit 1; plus strand). Cytogenetic location: 19q13.11.
Variant type: single nucleotide variant.
Coding change: c.85G>C on transcript NM_001037.5 (MANE Select); coding-DNA position 85, G replaced by C.
Protein change: p.Glu29Gln; replaces glutamic acid 29 with glutamine.
Molecular consequence: missense variant. On other transcripts: 5 prime UTR variant (1).
Genome position (GRCh38, 1-based): chr19:35,032,572, G>C. VCF-style: chr19-35032572-G-C. GRCh37 (hg19) VCF-style: chr19-35523476-G-C.
Other names: p.E29Q:GAG>CAG; c.-15G>C (NM_001321605.2); c.85G>C, p.Glu29Gln (NM_199037.5); short protein forms E29Q.
Identifiers: ClinVar variation 190855 (VCV000190855.5), dbSNP rs767384862, ClinGen allele CA302145.